The following is an entry in ClinVar:

ClinVar aggregate classification (germline): Uncertain significance (1 of 4 stars; one submission).

Allele frequency attached by ClinVar (database versions not stated): ExAC 0.00001; gnomAD 0.00001; gnomAD exomes 0.00001 and 0.00004; TOPMed 0.00002.
gnomAD v4.1: 55 of 1,614,026 alleles (0.0034%); highest among the groups gnomAD compares: Non-Finnish European, 0.0042%; no homozygotes.

Submission:

Labcorp Genetics (formerly Invitae), Labcorp
Classification: Uncertain significance. Last evaluated: 2022-08-07. Review status: criteria provided, single submitter. Criteria: Invitae Variant Classification Sherloc (09022015). Collection method: clinical testing. Allele origin: germline.
Comment: This sequence change replaces arginine, which is basic and polar, with glutamine, which is neutral and polar, at codon 177 of the RBBP8 protein (p.Arg177Gln). This variant is present in population databases (rs780012919, gnomAD 0.007%). This variant has not been reported in the literature in individuals affected with RBBP8-related conditions. ClinVar contains an entry for this variant (Variation ID: 1402440). Algorithms developed to predict the effect of missense changes on protein structure and function are either unavailable or do not agree on the potential impact of this missense change (SIFT: "Deleterious"; PolyPhen-2: "Benign"; Align-GVGD: "Class C0"). In summary, the available evidence is currently insufficient to determine the role of this variant in disease. Therefore, it has been classified as a Variant of Uncertain Significance.

NM_002894.3(RBBP8):c.530G>A (p.Arg177Gln)

Gene: RBBP8 (RB binding protein 8, endonuclease; plus strand). Cytogenetic location: 18q11.2.
Variant type: single nucleotide variant.
Coding change: c.530G>A on transcript NM_002894.3 (MANE Select); coding-DNA position 530, G replaced by A.
Protein change: p.Arg177Gln; replaces arginine 177 with glutamine.
Molecular consequence: missense variant.
Genome position (GRCh38, 1-based): chr18:22,982,319, G>A. VCF-style: chr18-22982319-G-A. GRCh37 (hg19) VCF-style: chr18-20562282-G-A.
Other names: c.530G>A, p.Arg177Gln (NM_203291.2, NM_203292.2); short protein forms R177Q.
Identifiers: ClinVar variation 1402440 (VCV001402440.6), dbSNP rs780012919, ClinGen allele CA8909852.
Genomic context (GRCh38, chr18:22,982,319, plus strand): 5'-AAGACGTTATTCCAGATTCACCGATAACAGCCTTCTCATTTTCTGGCGTTAACCGGCTAC[G>A]AAGAAAGGAGAACCCCCATGTCCGATACATAGAACAAACACATACTAAATTGGAGCACTC-3'
Protein context (NP_002885.1, residues 167-187): AFSFSGVNRL[Arg177Gln]RKENPHVRYI